The following is an entry in ClinVar:

NM_000152.5(GAA):c.2571G>T (p.Leu857=)

Gene: GAA (alpha glucosidase; plus strand). Cytogenetic location: 17q25.3.
Variant type: single nucleotide variant.
Coding change: c.2571G>T on transcript NM_000152.5 (MANE Select); coding-DNA position 2571, G replaced by T.
Protein change: p.Leu857=; no amino-acid change (leucine 857 retained).
Molecular consequence: synonymous variant.
Genome position (GRCh38, 1-based): chr17:80,118,282, G>T. VCF-style: chr17-80118282-G-T. GRCh37 (hg19) VCF-style: chr17-78092081-G-T.
Other names: c.2571G>T (LRG_673t1); c.2571G>T, p.Leu857= (NM_001079803.3, NM_001079804.3).
Identifiers: ClinVar variation 382786 (VCV000382786.29), dbSNP rs17853996, ClinGen allele CA8815790.
Genomic context (GRCh38, chr17:80,118,282, plus strand): 5'-CCAGCAGCCCATGGCCCTGGCTGTGGCCCTGACCAAGGGTGGGGAGGCCCGAGGGGAGCT[G>T]TTCTGGGACGATGGAGAGAGCCTGGAAGTGCTGGAGCGAGGGGCCTACACACAGGTCATC-3'
Protein context (NP_000143.2, residues 847-867): LTKGGEARGE[Leu857=]FWDDGESLEV

ClinVar aggregate classification (germline): Benign/Likely benign. Review status: criteria provided, multiple submitters, no conflicts (2 of 4 stars). 7 submissions from 7 submitters: Benign (4); Likely benign (3). Last evaluated 2026-02-02.

Conditions:
Cardiovascular phenotype. Identifiers: MedGen CN230736.
Glycogen storage disease, type II (IOPD). Also called: CARDIOMEGALIA GLYCOGENICA DIFFUSA; GLYCOGENOSIS, GENERALIZED, CARDIAC FORM; GSD II; Glycogen storage disease type 2; Acid maltase deficiency disease; Aglucosidase alfa. Identifiers: Orphanet 365, MedGen C0017921, MONDO:0009290, OMIM 232300.

Allele frequency attached by ClinVar (database versions not stated): gnomAD exomes 0.00081; ExAC 0.00108; 1000 Genomes Project 0.00220; 1000 Genomes Project 30x 0.00234; gnomAD 0.00298 and 0.00319; TOPMed 0.00336; ESP Exome Variant Server 0.00369.
gnomAD v4.1: 853 of 1,603,306 alleles (0.053%); highest among the groups gnomAD compares: African/African-American, 1.1%; 5 homozygotes.

Submissions (7):

Labcorp Genetics (formerly Invitae), Labcorp
Classification: Benign for Glycogen storage disease, type II. Last evaluated: 2026-02-02. Review status: criteria provided, single submitter. Criteria: Invitae Variant Classification Sherloc (09022015). Collection method: clinical testing. Allele origin: germline.

Blueprint Genetics
Classification: Likely benign. Last evaluated: 2024-11-25. Review status: criteria provided, single submitter. Criteria: ACMG Guidelines, 2015. Collection method: clinical testing. Allele origin: germline.

Ambry Genetics
Classification: Likely benign for Cardiovascular phenotype. Last evaluated: 2022-02-20. Review status: criteria provided, single submitter. Criteria: Ambry Variant Classification Scheme 2023. Collection method: clinical testing. Allele origin: germline.

ARUP Laboratories, Molecular Genetics and Genomics, ARUP Laboratories
Classification: Benign for Glycogen storage disease, type II. Last evaluated: 2019-11-21. Review status: criteria provided, single submitter. Criteria: ARUP Molecular Germline Variant Investigation Process. Collection method: clinical testing. Allele origin: germline.

GeneDx
Classification: Benign. Last evaluated: 2018-11-20. Review status: criteria provided, single submitter. Criteria: GeneDx Variant Classification Process June 2021. Collection method: clinical testing. Allele origin: germline. Affected: yes.

Illumina Laboratory Services, Illumina
Classification: Likely benign for Glycogen storage disease, type II. Last evaluated: 2018-01-13. Review status: criteria provided, single submitter. Criteria: ICSL Variant Classification Criteria 13 December 2019. Collection method: clinical testing. Allele origin: germline.
Comment: This variant was observed in the ICSL laboratory as part of a predisposition screen in an ostensibly healthy population. It had not been previously curated by ICSL or reported in the Human Gene Mutation Database (HGMD: prior to June 1st, 2018), and was therefore a candidate for classification through an automated scoring system. Utilizing variant allele frequency, disease prevalence and penetrance estimates, and inheritance mode, an automated score was calculated to assess if this variant is too frequent to cause the disease. Based on the score and internal cut-off values, a variant classified as likely benign is not then subjected to further curation. The score for this variant resulted in a classification of likely benign for this disease.

Women's Health and Genetics/Laboratory Corporation of America, LabCorp
Classification: Benign. Last evaluated: 2017-01-09. Review status: criteria provided, single submitter. Criteria: LabCorp Variant Classification Summary - May 2015. Collection method: clinical testing. Allele origin: germline.
Comment: Variant summary: The GAA c.2571G>T (p.Leu857Leu) variant involves the alteration of a non-conserved nucleotide, resulting in a synonymous change. One in silico tool predicts a damaging outcome for this variant. 5/5 splice prediction tools predict no significant impact on normal splicing. However, these predictions have yet to be confirmed by functional studies. This variant was found in 125/115766 control chromosomes, predominantly observed in the African subpopulation at a frequency of 0.0119071 (122/10246). This frequency is about 3 times the estimated maximal expected allele frequency of a pathogenic GAA variant (0.0042205), suggesting this is likely a benign polymorphism found primarily in the populations of African origin. The variant of interest has not, to our knowledge, been reported in affected individuals via publications and/or reputable databases/clinical diagnostic laboratories; nor evaluated for functional impact by in vivo/vitro studies. Taken together, this variant is classified as benign.